The following is an entry in ClinVar:

NM_007129.5(ZIC2):c.1076-5C>T

Gene: ZIC2 (Zic family member 2; plus strand). Cytogenetic location: 13q32.3.
Variant type: single nucleotide variant.
Coding change: c.1076-5C>T on transcript NM_007129.5 (MANE Select); 5 bases into the intron before coding-DNA position 1076, C replaced by T.
Molecular consequence: intron variant.
Genome position (GRCh38, 1-based): chr13:99,984,941, C>T. VCF-style: chr13-99984941-C-T. GRCh37 (hg19) VCF-style: chr13-100637195-C-T.
Identifiers: ClinVar variation 373600 (VCV000373600.1), dbSNP rs1057518503, ClinGen allele CA16042864.

ClinVar aggregate classification (germline): Uncertain significance (1 of 4 stars; one submission).

Submission:

GeneDx
Classification: Uncertain significance. Last evaluated: 2016-12-01. Review status: criteria provided, single submitter. Criteria: GeneDx Variant Classification (06012015). Collection method: clinical testing. Allele origin: germline. Affected: yes.
Comment: The c.1076-5C>T variant in the ZIC2 gene has not been reported previously as a pathogenic variant nor as a benign variant, to our knowledge. The c.1076-5C>T variant is not observed in large population cohorts (Lek et al., 2016; 1000 Genomes Consortium et al., 2015; Exome Variant Server). This variant has been identified as a de novo variant with confirmed parentage. However, in-silico analyses, including splice predictors and evolutionary conservation, suggest that this variant does not alter protein structure/function. Therefore, we interpret c.1076-5C>T as a variant of uncertain significance.